The following is an entry in ClinVar:

NM_001457.4(FLNB):c.4022C>G (p.Ala1341Gly)

Gene: FLNB (filamin B; plus strand). Cytogenetic location: 3p14.3.
Variant type: single nucleotide variant.
Coding change: c.4022C>G on transcript NM_001457.4 (MANE Select); coding-DNA position 4022, C replaced by G.
Protein change: p.Ala1341Gly; replaces alanine 1341 with glycine.
Molecular consequence: missense variant.
Genome position (GRCh38, 1-based): chr3:58,125,704, C>G. VCF-style: chr3-58125704-C-G. GRCh37 (hg19) VCF-style: chr3-58111431-C-G.
Other names: c.4022C>G, p.Ala1341Gly (NM_001164317.2, NM_001164318.2, NM_001164319.2); short protein forms A1341G.
Identifiers: ClinVar variation 675920 (VCV000675920.68), dbSNP rs139269734, ClinGen allele CA2468616.

ClinVar aggregate classification (germline): Likely benign. Review status: criteria provided, multiple submitters, no conflicts (2 of 4 stars). 8 submissions from 8 submitters: Likely benign (7). 1 of the submissions does not count toward it. Last evaluated 2026-08-01.

Conditions:
FLNB-related disorder. Also called: FLNB-related condition; FLNB-related disorders. Identifiers: MedGen CN381095.
FLNB-Related Spectrum Disorders.

Allele frequency attached by ClinVar (database versions not stated): TOPMed 0.00041; ESP Exome Variant Server 0.00054; gnomAD 0.00068; gnomAD exomes 0.00086; ExAC 0.00095.
gnomAD v4.1: 934 of 1,614,124 alleles (0.058%); highest among the groups gnomAD compares: Non-Finnish European, 0.055%; 2 homozygotes.

Submissions (8):

CeGaT Center for Human Genetics Tuebingen
Classification: Likely benign. Last evaluated: 2026-08-01. Review status: criteria provided, single submitter. Criteria: CeGaT Center For Human Genetics Tuebingen Variant Classification Criteria Version 2. Collection method: clinical testing. Allele origin: germline. Affected: yes. Observed: 3 variant alleles.
Comment: FLNB: BP4

Labcorp Genetics (formerly Invitae), Labcorp
Classification: Likely benign. Last evaluated: 2026-01-17. Review status: criteria provided, single submitter. Criteria: Invitae Variant Classification Sherloc (09022015). Collection method: clinical testing. Allele origin: germline.

Laboratory of Genetics, Children's Clinical University Hospital Latvia
Classification: Likely benign. Last evaluated: 2025-02-16. Review status: criteria provided, single submitter. Criteria: ACMG Guidelines, 2015. Collection method: clinical testing. Allele origin: germline. Affected: yes.

Blueprint Genetics
Classification: Likely benign. Last evaluated: 2024-11-14. Review status: criteria provided, single submitter. Criteria: ACMG Guidelines, 2015. Collection method: clinical testing. Allele origin: germline.

GeneDx
Classification: Likely benign. Last evaluated: 2023-01-27. Review status: criteria provided, single submitter. Criteria: GeneDx Variant Classification Process June 2021. Collection method: clinical testing. Allele origin: germline. Affected: yes.
Comment: See Variant Classification Assertion Criteria.

ARUP Laboratories, Molecular Genetics and Genomics, ARUP Laboratories
Classification: Likely benign. Last evaluated: 2021-10-08. Review status: criteria provided, single submitter. Criteria: ARUP Molecular Germline Variant Investigation Process 2021. Collection method: clinical testing. Allele origin: germline.

Illumina Laboratory Services, Illumina
Classification: Likely benign for FLNB-Related Spectrum Disorders. Last evaluated: 2018-01-13. Review status: criteria provided, single submitter. Criteria: ICSL Variant Classification Criteria 13 December 2019. Collection method: clinical testing. Allele origin: germline.
Comment: This variant was observed in the ICSL laboratory as part of a predisposition screen in an ostensibly healthy population. It had not been previously curated by ICSL or reported in the Human Gene Mutation Database (HGMD: prior to June 1st, 2018), and was therefore a candidate for classification through an automated scoring system. Utilizing variant allele frequency, disease prevalence and penetrance estimates, and inheritance mode, an automated score was calculated to assess if this variant is too frequent to cause the disease. Based on the score and internal cut-off values, a variant classified as likely benign is not then subjected to further curation. The score for this variant resulted in a classification of likely benign for this disease.

PreventionGenetics, part of Exact Sciences
Classification: Likely benign for FLNB-related condition. Last evaluated: 2021-10-21. Review status: no assertion criteria provided. Collection method: clinical testing. Allele origin: germline. Not counted in ClinVar's aggregate classification.
Comment: This variant is classified as likely benign based on ACMG/AMP sequence variant interpretation guidelines (Richards et al. 2015 PMID: 25741868, with internal and published modifications).